The following is an entry in ClinVar:

NM_001276270.2(MBD4):c.830C>T (p.Pro277Leu)

Gene: MBD4 (methyl-CpG binding domain 4, DNA glycosylase; minus strand). Cytogenetic location: 3q21.3.
Variant type: single nucleotide variant.
Coding change: c.830C>T on transcript NM_001276270.2 (MANE Select); coding-DNA position 830, C replaced by T.
Protein change: p.Pro277Leu; replaces proline 277 with leucine.
Molecular consequence: missense variant. On other transcripts: intron variant (1).
Genome position (GRCh38, 1-based): chr3:129,436,814, G>A on the plus strand (C>T on the coding strand, the complement: MBD4 is on the minus strand). VCF-style: chr3-129436814-G-A. GRCh37 (hg19) VCF-style: chr3-129155657-G-A.
Other names: c.830C>T, p.Pro277Leu (NM_001276271.2, NM_001276272.2, NM_003925.3); c.247+994C>T (NM_001276273.2); short protein forms P277L.
Identifiers: ClinVar variation 4844104 (VCV004844104.1).
Genomic context (GRCh38, chr3:129,436,814, plus strand): 5'-CCACATGCTCCAGCATCAGAAATGCAGACAGTTCTATCAAGCTGACTTTTTTGTGCAACA[G>A]GTTCACTTTCAGCATCTGCTTTATTACACACAGATTCTCTTTTGCTATCACTTTGAACAA-3'
Protein context (NP_001263199.1, residues 267-287): VCNKADAESE[Pro277Leu]VAQKSQLDRT

ClinVar aggregate classification (germline): Uncertain significance (1 of 4 stars; one submission).

Conditions:
Inborn genetic diseases. Identifiers: MedGen C0950123, MeSH D030342.

Submission:

Ambry Genetics
Classification: Uncertain significance for Inborn genetic diseases. Last evaluated: 2025-12-24. Review status: criteria provided, single submitter. Criteria: Ambry Variant Classification Scheme 2023. Collection method: clinical testing. Allele origin: germline.
Comment: The p.P277L variant (also known as c.830C>T), located in coding exon 3 of the MBD4 gene, results from a C to T substitution at nucleotide position 830. The proline at codon 277 is replaced by leucine, an amino acid with similar properties. This amino acid position is conserved. In addition, this alteration is predicted to be tolerated by in silico analysis. Based on the available evidence, the clinical significance of this variant remains unclear.